The following is an entry in ClinVar:

NM_000069.3(CACNA1S):c.5312G>A (p.Ser1771Asn)

Gene: CACNA1S (calcium voltage-gated channel subunit alpha1 S; minus strand). Cytogenetic location: 1q32.1.
Variant type: single nucleotide variant.
Coding change: c.5312G>A on transcript NM_000069.3 (MANE Select); coding-DNA position 5312, G replaced by A.
Protein change: p.Ser1771Asn; replaces serine 1771 with asparagine.
Molecular consequence: missense variant.
Genome position (GRCh38, 1-based): chr1:201,040,289, C>T on the plus strand (G>A on the coding strand, the complement: CACNA1S is on the minus strand). VCF-style: chr1-201040289-C-T. GRCh37 (hg19) VCF-style: chr1-201009417-C-T.
Other names: short protein forms S1771N.
Identifiers: ClinVar variation 2417815 (VCV002417815.9), dbSNP rs761605711, ClinGen allele CA083804.
Genomic context (GRCh38, chr1:201,040,289, plus strand): 5'-ACCTTTTGGATCAGCAGGGCTGTAGCTGGTGCTGAGCACCTGGAAGTATTCTCCCTGGTG[C>T]TCCTGCTGTGGGGTGTCTCCTCATGAAGAGACCCTGGTGTGGAGCTCTTTCTGTCCTCAG-3'
Protein context (NP_000060.2, residues 1761-1781): SLHEETPHSR[Ser1771Asn]TRENTSRCSA

ClinVar aggregate classification (germline): Conflicting classifications of pathogenicity. Review status: criteria provided, conflicting classifications (1 of 4 stars). 2 submissions from 2 submitters: Uncertain significance (1); Likely benign (1). Last evaluated 2023-07-19.

Conditions:
Malignant hyperthermia, susceptibility to, 5 (MHS5). Also called: CACNA1S-Related Malignant Hyperthermia Susceptibility. Identifiers: Orphanet 423, MedGen C1866077, MONDO:0011163, OMIM 601887.
Hypokalemic periodic paralysis, type 1. Also called: HypoPP; Hypokalemic Periodic Paralysis Type 1 (AD). Identifiers: Orphanet 681, MedGen C3714580, MONDO:0042979, OMIM 170400.

Allele frequency attached by ClinVar (database versions not stated): gnomAD exomes below 0.00001; ExAC 0.00001.

Submissions (2):

All of Us Research Program, National Institutes of Health
Classification: Uncertain significance for Malignant hyperthermia, susceptibility to, 5. Last evaluated: 2023-07-19. Review status: criteria provided, single submitter. Criteria: ACMG Guidelines, 2015. Collection method: clinical testing. Allele origin: germline. Inheritance: Autosomal dominant inheritance. Observed: 1 variant allele, 1 heterozygote.
Comment: This missense variant replaces serine with asparagine at codon 1771 of the CACNA1S protein. Computational prediction suggests that this variant may not impact protein structure and function (internally defined REVEL score threshold <= 0.5, PMID: 27666373). To our knowledge, functional studies have not been reported for this variant. This variant has not been reported in individuals affected with CACNA1S-related disorders in the literature. This variant has been identified in 1/250644 chromosomes in the general population by the Genome Aggregation Database (gnomAD). The available evidence is insufficient to determine the role of this variant in disease conclusively. Therefore, this variant is classified as a Variant of Uncertain Significance.

This study involves interpretation of variants in research participants for the purpose of population health screening. Participant phenotype was not available at the time of variant classification. Additional details can be found in publication PMID: 35346344, PMCID: PMC8962531

Labcorp Genetics (formerly Invitae), Labcorp
Classification: Likely benign for Hypokalemic periodic paralysis, type 1; Malignant hyperthermia, susceptibility to, 5. Last evaluated: 2022-06-10. Review status: criteria provided, single submitter. Criteria: Invitae Variant Classification Sherloc (09022015). Collection method: clinical testing. Allele origin: germline.